The following is an entry in ClinVar:

NM_001367624.2(ZNF469):c.8504A>G (p.Glu2835Gly)

Gene: ZNF469 (zinc finger protein 469; plus strand). Cytogenetic location: 16q24.2.
Variant type: single nucleotide variant.
Coding change: c.8504A>G on transcript NM_001367624.2 (MANE Select); coding-DNA position 8504, A replaced by G.
Protein change: p.Glu2835Gly; replaces glutamic acid 2835 with glycine.
Molecular consequence: missense variant.
Genome position (GRCh38, 1-based): chr16:88,435,974, A>G. VCF-style: chr16-88435974-A-G. GRCh37 (hg19) VCF-style: chr16-88502382-A-G.
Other names: NM_001127464.1:c.8420A>G; short protein forms E2835G.
Identifiers: ClinVar variation 1763323 (VCV001763323.2), dbSNP rs2507599877, ClinGen allele CA397118236.

ClinVar aggregate classification (germline): Uncertain significance (1 of 4 stars; one submission).

Conditions:
Cardiovascular phenotype. Identifiers: MedGen CN230736.

Submission:

Ambry Genetics
Classification: Uncertain significance for Cardiovascular phenotype. Last evaluated: 2021-11-19. Review status: criteria provided, single submitter. Criteria: Ambry Variant Classification Scheme 2023. Collection method: clinical testing. Allele origin: germline.
Comment: The p.E2807G variant (also known as c.8420A>G), located in coding exon 2 of the ZNF469 gene, results from an A to G substitution at nucleotide position 8420. The glutamic acid at codon 2807 is replaced by glycine, an amino acid with similar properties. This amino acid position is conserved. In addition, this alteration is predicted to be tolerated by in silico analysis. Since supporting evidence is limited at this time, the clinical significance of this alteration remains unclear.